The following is an entry in ClinVar:

NM_003238.6(TGFB2):c.1023C>A (p.Tyr341Ter)

Gene: TGFB2 (transforming growth factor beta 2; plus strand). Cytogenetic location: 1q41.
Variant type: single nucleotide variant.
Coding change: c.1023C>A on transcript NM_003238.6 (MANE Select); coding-DNA position 1023, C replaced by A.
Protein change: p.Tyr341Ter; replaces tyrosine 341 with a stop codon.
Molecular consequence: nonsense. On other transcripts: non-coding transcript variant (2).
Genome position (GRCh38, 1-based): chr1:218,437,433, C>A. VCF-style: chr1-218437433-C-A. GRCh37 (hg19) VCF-style: chr1-218610775-C-A.
Other names: c.1107C>A, p.Tyr369Ter (NM_001135599.4); short protein forms Y341*, Y369*.
Identifiers: ClinVar variation 520197 (VCV000520197.6), dbSNP rs1553303357, ClinGen allele CA344727592.
Genomic context (GRCh38, chr1:218,437,433, plus strand): 5'-ACTTTACATTGATTTCAAGAGGGATCTAGGGTGGAAATGGATACACGAACCCAAAGGGTA[C>A]AATGCCAACTTCTGTGCTGGAGCATGCCCGTATTTATGGAGTTCAGACACTCAGCACAGC-3'

ClinVar aggregate classification (germline): Pathogenic. Review status: criteria provided, multiple submitters, no conflicts (2 of 4 stars). 2 submissions from 2 submitters: Pathogenic (2). Last evaluated 2026-01-19.

Conditions:
Familial thoracic aortic aneurysm and aortic dissection (TAAD). Also called: Thoracic aortic aneurysms and dissections. Identifiers: Orphanet 91387, MedGen C4707243, MONDO:0019625.
Loeys-Dietz syndrome 4 (LDS4). Also called: TGFB2-Related Loeys-Dietz Syndrome; ANEURYSM, AORTIC AND CEREBRAL, WITH ARTERIAL TORTUOSITY AND SKELETAL MANIFESTATIONS. Identifiers: MedGen C3553762, MONDO:0013897, OMIM 614816.

Allele frequency attached by ClinVar (database versions not stated): gnomAD exomes below 0.00001.
gnomAD v4.1: 2 of 1,612,420 alleles (0.00012%); highest among the groups gnomAD compares: Non-Finnish European, 0.00017%; no homozygotes.

Submissions (2):

Labcorp Genetics (formerly Invitae), Labcorp
Classification: Pathogenic for Loeys-Dietz syndrome 4. Last evaluated: 2026-01-19. Review status: criteria provided, single submitter. Criteria: Invitae Variant Classification Sherloc (09022015). Collection method: clinical testing. Allele origin: germline.
Comment: This sequence change creates a premature translational stop signal (p.Tyr341*) in the TGFB2 gene. It is expected to result in an absent or disrupted protein product. Loss-of-function variants in TGFB2 are known to be pathogenic (PMID: 22772368, 22772371, 30739908). This variant is not present in population databases (gnomAD no frequency). This premature translational stop signal has been observed in individual(s) with clinical features of TGFB2-related conditions (PMID: 35753512). ClinVar contains an entry for this variant (Variation ID: 520197). For these reasons, this variant has been classified as Pathogenic.

Ambry Genetics
Classification: Pathogenic for Familial thoracic aortic aneurysm and aortic dissection. Last evaluated: 2018-05-02. Review status: criteria provided, single submitter. Criteria: Ambry Variant Classification Scheme 2023. Collection method: clinical testing. Allele origin: germline.
Comment: The p.Y341* pathogenic mutation (also known as c.1023C>A), located in coding exon 6 of the TGFB2 gene, results from a C to A substitution at nucleotide position 1023. This changes the amino acid from a tyrosine to a stop codon within coding exon 6. This alteration is expected to result in loss of function by premature protein truncation or nonsense-mediated mRNA decay. As such, this alteration is interpreted as a disease-causing mutation.

Literature cited by the submitters: PubMed 22772368 (cited by Labcorp Genetics (formerly Invitae), Labcorp); PubMed 22772371 (cited by Labcorp Genetics (formerly Invitae), Labcorp); PubMed 30739908 (cited by Labcorp Genetics (formerly Invitae), Labcorp); PubMed 35753512 (cited by Labcorp Genetics (formerly Invitae), Labcorp).